The following is an entry in ClinVar:

ClinVar aggregate classification (germline): Uncertain significance (1 of 4 stars; one submission).

Submission:

GeneDx
Classification: Uncertain significance. Last evaluated: 2025-07-18. Review status: criteria provided, single submitter. Criteria: GeneDx Variant Classification Process June 2021. Collection method: clinical testing. Allele origin: germline. Affected: yes.
Comment: Not observed at significant frequency in large population cohorts (gnomAD); In silico analysis suggests that this missense variant does not alter protein structure/function; Has not been previously published as pathogenic or benign to our knowledge

NM_001134407.3(GRIN2A):c.3019A>T (p.Asn1007Tyr)

Gene: GRIN2A (glutamate ionotropic receptor NMDA type subunit 2A; minus strand). Cytogenetic location: 16p13.2.
Variant type: single nucleotide variant.
Coding change: c.3019A>T on transcript NM_001134407.3 (MANE Select); coding-DNA position 3019, A replaced by T.
Protein change: p.Asn1007Tyr; replaces asparagine 1007 with tyrosine.
Molecular consequence: missense variant.
Genome position (GRCh38, 1-based): chr16:9,764,525, T>A on the plus strand (A>T on the coding strand, the complement: GRIN2A is on the minus strand). VCF-style: chr16-9764525-T-A. GRCh37 (hg19) VCF-style: chr16-9858382-T-A.
Other names: c.3019A>T, p.Asn1007Tyr (NM_000833.5, NM_001134408.2); short protein forms N1007Y.
Identifiers: ClinVar variation 4689871 (VCV004689871.1).